The following is an entry in ClinVar:

ClinVar aggregate classification (germline): Uncertain significance. Review status: criteria provided, multiple submitters, no conflicts (2 of 4 stars). 2 submissions from 2 submitters: Uncertain significance (2). Last evaluated 2024-11-25.

Conditions:
Pyogenic bacterial infections due to MyD88 deficiency (IMD68). Also called: PYOGENIC BACTERIAL INFECTIONS, RECURRENT, DUE TO MYD88 DEFICIENCY. Identifiers: Orphanet 183713, MedGen C2677092, MONDO:0012839, OMIM 612260.

Allele frequency attached by ClinVar (database versions not stated): gnomAD exomes 0.00004; gnomAD 0.00005 and 0.00006; ExAC 0.00006; TOPMed 0.00009; ESP Exome Variant Server 0.00015.
gnomAD v4.1: 235 of 1,613,412 alleles (0.015%); highest among the groups gnomAD compares: Non-Finnish European, 0.019%; no homozygotes.

Submissions (2):

Blueprint Genetics
Classification: Uncertain significance. Last evaluated: 2024-11-25. Review status: criteria provided, single submitter. Criteria: ACMG Guidelines, 2015. Collection method: clinical testing. Allele origin: germline.

Labcorp Genetics (formerly Invitae), Labcorp
Classification: Uncertain significance for Pyogenic bacterial infections due to MyD88 deficiency. Last evaluated: 2022-10-25. Review status: criteria provided, single submitter. Criteria: Invitae Variant Classification Sherloc (09022015). Collection method: clinical testing. Allele origin: germline.
Comment: This sequence change replaces glutamine, which is neutral and polar, with histidine, which is basic and polar, at codon 135 of the MYD88 protein (p.Gln135His). This variant is present in population databases (rs372319724, gnomAD 0.007%). This variant has not been reported in the literature in individuals affected with MYD88-related conditions. ClinVar contains an entry for this variant (Variation ID: 537301). Algorithms developed to predict the effect of missense changes on protein structure and function are either unavailable or do not agree on the potential impact of this missense change (SIFT: "Deleterious"; PolyPhen-2: "Possibly Damaging"; Align-GVGD: "Class C0"). In summary, the available evidence is currently insufficient to determine the role of this variant in disease. Therefore, it has been classified as a Variant of Uncertain Significance.

NM_002468.5(MYD88):c.366G>T (p.Gln122His)

Gene: MYD88 (MYD88 innate immune signal transduction adaptor; plus strand). Cytogenetic location: 3p22.2.
Variant type: single nucleotide variant.
Coding change: c.366G>T on transcript NM_002468.5 (MANE Select); coding-DNA position 366, G replaced by T.
Protein change: p.Gln122His; replaces glutamine 122 with histidine.
Molecular consequence: missense variant. On other transcripts: intron variant (3).
Genome position (GRCh38, 1-based): chr3:38,139,901, G>T. VCF-style: chr3-38139901-G-T. GRCh37 (hg19) VCF-style: chr3-38181392-G-T.
Other names: c.366G>T, p.Gln122His (NM_001172567.2, NM_001172569.3, NM_001365876.1); c.329-487G>T (NM_001172568.2, NM_001365877.1); c.329-856G>T (NM_001172566.2); short protein forms Q122H.
Identifiers: ClinVar variation 537301 (VCV000537301.4), dbSNP rs372319724, ClinGen allele CA2316106.